The following is an entry in ClinVar:

NM_002047.4(GARS1):c.1058A>G (p.His353Arg)

Gene: GARS1 (glycyl-tRNA synthetase 1; plus strand). Cytogenetic location: 7p14.3.
Variant type: single nucleotide variant.
Coding change: c.1058A>G on transcript NM_002047.4 (MANE Select); coding-DNA position 1058, A replaced by G.
Protein change: p.His353Arg; replaces histidine 353 with arginine.
Molecular consequence: missense variant.
Genome position (GRCh38, 1-based): chr7:30,615,922, A>G. VCF-style: chr7-30615922-A-G. GRCh37 (hg19) VCF-style: chr7-30655538-A-G.
Other names: c.896A>G, p.His299Arg (NM_001316772.1); short protein forms H299R, H353R.
Identifiers: ClinVar variation 5007206 (VCV005007206.2).
Genomic context (GRCh38, chr7:30,615,922, plus strand): 5'-TATGCAGGTTTATCGCTTACGTTTTTGCTTTCAGAGAATTCACAATGGCAGAAATTGAGC[A>G]CTTTGTAGATCCCAGTGAGAAAGACCACCCCAAGTTCCAGAATGTGGCAGACCTTCACCT-3'
Protein context (NP_002038.2, residues 343-363): VREFTMAEIE[His353Arg]FVDPSEKDHP

ClinVar aggregate classification (germline): Uncertain significance (1 of 4 stars; one submission).

Conditions:
Charcot-Marie-Tooth disease type 2D (CMT2D). Also called: Charcot-Marie-Tooth Neuropathy Type 2D; GARS1 Adolescent- or Early Adult-Onset Hereditary Motor/Sensory Neuropathy (GARS1-HMSN); CHARCOT-MARIE-TOOTH DISEASE, AXONAL, TYPE 2D; CHARCOT-MARIE-TOOTH DISEASE, NEURONAL, TYPE 2D. Identifiers: Orphanet 99938, MedGen C1832274, MONDO:0011091, OMIM 601472.
Spinal muscular atrophy, infantile, James type. Also called: GARS1 Infantile-Onset Spinal Muscular Atrophy (GARS1-iSMA). Identifiers: MedGen C5436669, MONDO:0033621, OMIM 619042.
Neuronopathy, distal hereditary motor, type 5A (HMND5). Also called: Distal Spinal Muscular Atrophy V; Distal Spinal Muscular Atrophy V (dSMA-V); NEURONOPATHY, DISTAL HEREDITARY MOTOR, AUTOSOMAL DOMINANT 5; DHMN VA. Identifiers: Orphanet 139536, MedGen CN031873, MONDO:0015353, OMIM 600794.

Submission:

Juno Genomics, Hangzhou Juno Genomics, Inc
Classification: Uncertain significance for Neuronopathy, distal hereditary motor, type 5A; Charcot-Marie-Tooth disease type 2D; Spinal muscular atrophy, infantile, James type. Review status: criteria provided, single submitter. Criteria: ACMG Guidelines, 2015. Collection method: clinical testing. Allele origin: germline.
Comment: Absent from controls (or at extremely low frequency if recessive) in Genome Aggregation Database.;De novo (both maternity and paternity confirmed) in a patient with the disease and no family history.;Multiple lines of computational evidence support a deleterious effect on the gene or gene product.